The following is an entry in ClinVar:

ClinVar aggregate classification (germline): Benign/Likely benign. Review status: criteria provided, multiple submitters, no conflicts (2 of 4 stars). 8 submissions from 8 submitters: Benign (4); Likely benign (1). 3 of the submissions do not count toward it. Last evaluated 2026-08-01.

Conditions:
CEP104-related disorder. Also called: CEP104-related condition.
Joubert syndrome 25 (JBTS25). Identifiers: Orphanet 475, MedGen C4084842, MONDO:0014770, OMIM 616781.

Allele frequency attached by ClinVar (database versions not stated): 1000 Genomes Project 30x 0.00297; 1000 Genomes Project 0.00319; gnomAD 0.00398; TOPMed 0.00414; ESP Exome Variant Server 0.00569.
gnomAD v4.1: 10,175 of 1,614,140 alleles (0.63%); highest among the groups gnomAD compares: Non-Finnish European, 0.77%; 47 homozygotes.

Submissions (8):

CeGaT Center for Human Genetics Tuebingen
Classification: Likely benign. Last evaluated: 2026-08-01. Review status: criteria provided, single submitter. Criteria: CeGaT Center For Human Genetics Tuebingen Variant Classification Criteria Version 2. Collection method: clinical testing. Allele origin: germline. Affected: yes. Observed: 22 variant alleles.
Comment: CEP104: BP4, BP7, BS2

Labcorp Genetics (formerly Invitae), Labcorp
Classification: Benign for Joubert syndrome 25. Last evaluated: 2026-02-04. Review status: criteria provided, single submitter. Criteria: Invitae Variant Classification Sherloc (09022015). Collection method: clinical testing. Allele origin: germline.

Mayo Clinic Laboratories, Mayo Clinic
Classification: Benign. Last evaluated: 2024-06-12. Review status: criteria provided, single submitter. Criteria: ACMG Guidelines, 2015. Collection method: clinical testing. Allele origin: germline. Observed: 3 variant alleles.
Comment: BS1, BS2, BP4, BP7

GeneDx
Classification: Benign. Last evaluated: 2019-06-28. Review status: criteria provided, single submitter. Criteria: GeneDx Variant Classification Process June 2021. Collection method: clinical testing. Allele origin: germline. Affected: yes.

Breakthrough Genomics
Classification: Benign. Review status: criteria provided, single submitter. Criteria: ACMG Guidelines, 2015. Collection method: not provided. Allele origin: germline. Inheritance: Autosomal recessive inheritance. Affected: yes.

PreventionGenetics, part of Exact Sciences
Classification: Likely benign for CEP104-related condition. Last evaluated: 2019-07-15. Review status: no assertion criteria provided. Collection method: clinical testing. Allele origin: germline. Not counted in ClinVar's aggregate classification.
Comment: This variant is classified as likely benign based on ACMG/AMP sequence variant interpretation guidelines (Richards et al. 2015 PMID: 25741868, with internal and published modifications).

Clinical Genetics DNA and cytogenetics Diagnostics Lab, Erasmus MC, Erasmus Medical Center
Classification: Likely benign. Review status: no assertion criteria provided. Collection method: clinical testing. Allele origin: germline. Affected: yes. Study: VKGL Data-share Consensus. Not counted in ClinVar's aggregate classification.

Genome Diagnostics Laboratory, University Medical Center Utrecht
Classification: Benign. Review status: no assertion criteria provided. Collection method: clinical testing. Allele origin: germline. Affected: yes. Study: VKGL Data-share Consensus. Not counted in ClinVar's aggregate classification.

NM_014704.4(CEP104):c.1884G>T (p.Thr628=)

Genes: CEP104 (centrosomal protein 104; minus strand), LOC126805586 (CDK7 strongly-dependent group 2 enhancer GRCh37_chr1:3745882-3747081; plus strand). Cytogenetic location: 1p36.32.
Variant type: single nucleotide variant.
Coding change: c.1884G>T on transcript NM_014704.4 (MANE Select); coding-DNA position 1884, G replaced by T.
Protein change: p.Thr628=; no amino-acid change (threonine 628 retained).
Molecular consequence: synonymous variant.
Genome position (GRCh38, 1-based): chr1:3,829,950, C>A on the plus strand (G>T on the coding strand, the complement: CEP104 is on the minus strand). VCF-style: chr1-3829950-C-A. GRCh37 (hg19) VCF-style: chr1-3746514-C-A.
Other names: p.Thr628=.
Identifiers: ClinVar variation 542194 (VCV000542194.42), dbSNP rs12144567, ClinGen allele CA551477.